The following is an entry in ClinVar:

ClinVar aggregate classification (germline): Uncertain significance (1 of 4 stars; one submission).

gnomAD v4.1: 1 of 1,583,176 alleles (0.000063%); highest among the groups gnomAD compares: Non-Finnish European, 0.000085%; no homozygotes.

Submission:

Labcorp Genetics (formerly Invitae), Labcorp
Classification: Uncertain significance. Last evaluated: 2025-09-21. Review status: criteria provided, single submitter. Criteria: Invitae Variant Classification Sherloc (09022015). Collection method: clinical testing. Allele origin: germline.
Comment: This sequence change replaces aspartic acid, which is acidic and polar, with asparagine, which is neutral and polar, at codon 869 of the ARHGEF1 protein (p.Asp869Asn). This variant is not present in population databases (gnomAD no frequency). This variant has not been reported in the literature in individuals affected with ARHGEF1-related conditions. An algorithm developed to predict the effect of missense changes on protein structure and function (PolyPhen-2) suggests that this variant is likely to be tolerated. In summary, the available evidence is currently insufficient to determine the role of this variant in disease. Therefore, it has been classified as a Variant of Uncertain Significance.

NM_004706.4(ARHGEF1):c.2560G>A (p.Asp854Asn)

Gene: ARHGEF1 (Rho guanine nucleotide exchange factor 1; plus strand). Cytogenetic location: 19q13.2.
Variant type: single nucleotide variant.
Coding change: c.2560G>A on transcript NM_004706.4 (MANE Select); coding-DNA position 2560, G replaced by A.
Protein change: p.Asp854Asn; replaces aspartic acid 854 with asparagine.
Molecular consequence: missense variant. On other transcripts: non-coding transcript variant (2), intron variant (4).
Genome position (GRCh38, 1-based): chr19:41,906,525, G>A. VCF-style: chr19-41906525-G-A. GRCh37 (hg19) VCF-style: chr19-42410677-G-A.
Other names: c.2728G>A, p.Asp910Asn (NM_001396000.1); c.2461G>A, p.Asp821Asn (NM_198977.2); c.2605G>A, p.Asp869Asn (NM_199002.2); c.2492-178G>A (NM_001396003.1, NM_001396006.1); c.2393-178G>A (NM_001396002.1, NM_001396004.1); short protein forms D821N, D854N, D910N, D869N.
Identifiers: ClinVar variation 4727253 (VCV004727253.1).